The following is an entry in ClinVar:

ClinVar aggregate classification (germline): Uncertain significance (1 of 4 stars; one submission).

Submission:

GeneDx
Classification: Uncertain significance. Last evaluated: 2025-03-13. Review status: criteria provided, single submitter. Criteria: GeneDx Variant Classification Process June 2021. Collection method: clinical testing. Allele origin: germline. Affected: yes.
Comment: Not observed at significant frequency in large population cohorts (gnomAD); In silico analysis supports that this missense variant has a deleterious effect on protein structure/function; Has not been previously published as pathogenic or benign to our knowledge

NM_001282531.3(ADNP):c.391C>T (p.Pro131Ser)

Gene: ADNP (activity dependent neuroprotector homeobox; minus strand). Cytogenetic location: 20q13.13.
Variant type: single nucleotide variant.
Coding change: c.391C>T on transcript NM_001282531.3 (MANE Select); coding-DNA position 391, C replaced by T.
Protein change: p.Pro131Ser; replaces proline 131 with serine.
Molecular consequence: missense variant. On other transcripts: 5 prime UTR variant (1).
Genome position (GRCh38, 1-based): chr20:50,894,323, G>A on the plus strand (C>T on the coding strand, the complement: ADNP is on the minus strand). VCF-style: chr20-50894323-G-A. GRCh37 (hg19) VCF-style: chr20-49510860-G-A.
Other names: c.391C>T, p.Pro131Ser (NM_001282532.2, NM_001347511.2, NM_015339.5 and 1 more transcripts); c.607C>T, p.Pro203Ser (NM_001439000.1); c.-294C>T (NM_001439001.1); short protein forms P131S, P203S.
Identifiers: ClinVar variation 4083306 (VCV004083306.1).
Genomic context (GRCh38, chr20:50,894,323, plus strand): 5'-CATCATTTTTGTTTTTATCTTTGAAAGTGCTGAGGCTGCTACTTGGTGCGCTGGCGTTCG[G>A]AGCATGAAATATTTTAATGTGTGTTTCCAAAGTCTTTTTGTCTGCATTGAAGGTACAGTA-3'
Protein context (NP_001269460.1, residues 121-141): LETHIKIFHA[Pro131Ser]NASAPSSSLS